The following is an entry in ClinVar:

ClinVar aggregate classification (germline): Uncertain significance. Review status: criteria provided, multiple submitters, no conflicts (2 of 4 stars). 3 submissions from 3 submitters: Uncertain significance (3). Last evaluated 2025-10-22.

Conditions:
Reynolds syndrome. Also called: PRIMARY BILIARY CIRRHOSIS, SCLERODERMA, RAYNAUD DISEASE, AND TELANGIECTASIA. Identifiers: Orphanet 779, MedGen C0748397, MONDO:0013276, OMIM 613471.
Pelger-Huët anomaly (PHA). Also called: Pelger-Huet Anomaly. Identifiers: MedGen C0030779, MONDO:0008214, OMIM 169400.
Greenberg dysplasia (GRBGD). Also called: CHONDRODYSTROPHY, HYDROPIC AND PRENATALLY LETHAL TYPE; HEM SKELETAL DYSPLASIA; MOTH-EATEN SKELETAL DYSPLASIA. Identifiers: Orphanet 1426, MedGen C2931048, MONDO:0008974, OMIM 215140.
Regressive spondylometaphyseal dysplasia. Also called: PELGER-HUET ANOMALY WITH MILD SKELETAL ANOMALIES. Identifiers: Orphanet 448267, MedGen C4747922, MONDO:0018663, OMIM 618019.

Allele frequency attached by ClinVar (database versions not stated): TOPMed 0.00004; gnomAD exomes 0.00007; ESP Exome Variant Server 0.00008; gnomAD 0.00009; ExAC 0.00010; 1000 Genomes Project 30x 0.00016; 1000 Genomes Project 0.00020.
gnomAD v4.1: 112 of 1,613,682 alleles (0.0069%); highest among the groups gnomAD compares: East Asian, 0.047%; no homozygotes.

Submissions (3):

Labcorp Genetics (formerly Invitae), Labcorp
Classification: Uncertain significance. Last evaluated: 2025-10-22. Review status: criteria provided, single submitter. Criteria: Invitae Variant Classification Sherloc (09022015). Collection method: clinical testing. Allele origin: germline.
Comment: This sequence change replaces arginine, which is basic and polar, with cysteine, which is neutral and slightly polar, at codon 169 of the LBR protein (p.Arg169Cys). This variant is present in population databases (rs2230420, gnomAD 0.05%). This variant has not been reported in the literature in individuals affected with LBR-related conditions. ClinVar contains an entry for this variant (Variation ID: 2902022). Invitae Evidence Modeling of protein sequence and biophysical properties (such as structural, functional, and spatial information, amino acid conservation, physicochemical variation, residue mobility, and thermodynamic stability) indicates that this missense variant is expected to disrupt LBR protein function with a positive predictive value of 80%. In summary, the available evidence is currently insufficient to determine the role of this variant in disease. Therefore, it has been classified as a Variant of Uncertain Significance.

ARUP Laboratories, Molecular Genetics and Genomics, ARUP Laboratories
Classification: Uncertain significance. Last evaluated: 2023-12-18. Review status: criteria provided, single submitter. Criteria: ARUP Molecular Germline Variant Investigation Process 2024. Collection method: clinical testing. Allele origin: germline.
Comment: The LBR c.505C>T; p.Arg169Cys variant (c.505C>T; p.Arg169Cys), to our knowledge, is not reported in the medical literature or gene specific databases. This variant is found in the general population with an overall allele frequency of 0.011% (31/282534 alleles) in the Genome Aggregation Database (v2.1.1). Computational analyses are uncertain whether this variant is neutral or deleterious (REVEL: 0.498). Due to limited information, the clinical significance of this variant is uncertain at this time.

Department of Pathology and Laboratory Medicine, Sinai Health System
Classification: Uncertain significance for Pelger-Huët anomaly; Greenberg dysplasia; Reynolds syndrome; Regressive spondylometaphyseal dysplasia. Last evaluated: 2022-07-15. Review status: criteria provided, single submitter. Criteria: ACMG Guidelines, 2015. Collection method: research. Allele origin: germline.

NM_002296.4(LBR):c.505C>T (p.Arg169Cys)

Gene: LBR (lamin B receptor; minus strand). Cytogenetic location: 1q42.12.
Variant type: single nucleotide variant.
Coding change: c.505C>T on transcript NM_002296.4 (MANE Select); coding-DNA position 505, C replaced by T.
Protein change: p.Arg169Cys; replaces arginine 169 with cysteine.
Molecular consequence: missense variant.
Genome position (GRCh38, 1-based): chr1:225,419,398, G>A on the plus strand (C>T on the coding strand, the complement: LBR is on the minus strand). VCF-style: chr1-225419398-G-A. GRCh37 (hg19) VCF-style: chr1-225607100-G-A.
Other names: c.505C>T, p.Arg169Cys (NM_194442.3); short protein forms R169C.
Identifiers: ClinVar variation 2902022 (VCV002902022.5), dbSNP rs2230420, ClinGen allele CA1417442.